The following is an entry in ClinVar:

ClinVar aggregate classification (germline): Conflicting classifications of pathogenicity. Review status: criteria provided, conflicting classifications (1 of 4 stars). 5 submissions from 5 submitters: Uncertain significance (1); Likely benign (4). Last evaluated 2026-03-01.

Conditions:
Inborn genetic diseases. Identifiers: MedGen C0950123, MeSH D030342.

Allele frequency attached by ClinVar (database versions not stated): gnomAD 0.00004 and 0.00005; gnomAD exomes 0.00004; ExAC 0.00006; TOPMed 0.00008; ESP Exome Variant Server 0.00015.
gnomAD v4.1: 44 of 1,614,122 alleles (0.0027%); highest among the groups gnomAD compares: Middle Eastern, 0.12%; no homozygotes.

Submissions (5):

CeGaT Center for Human Genetics Tuebingen
Classification: Likely benign. Last evaluated: 2026-03-01. Review status: criteria provided, single submitter. Criteria: CeGaT Center For Human Genetics Tuebingen Variant Classification Criteria Version 2. Collection method: clinical testing. Allele origin: germline. Affected: yes. Observed: 1 variant allele.
Comment: ARID1B: BP4, BS1:Supporting

Ambry Genetics
Classification: Likely benign for Inborn genetic diseases. Last evaluated: 2024-12-14. Review status: criteria provided, single submitter. Criteria: Ambry Variant Classification Scheme 2023. Collection method: clinical testing. Allele origin: germline.

Blueprint Genetics
Classification: Likely benign. Last evaluated: 2024-02-12. Review status: criteria provided, single submitter. Criteria: ACMG Guidelines, 2015. Collection method: clinical testing. Allele origin: germline.

Labcorp Genetics (formerly Invitae), Labcorp
Classification: Likely benign. Last evaluated: 2023-08-07. Review status: criteria provided, single submitter. Criteria: Invitae Variant Classification Sherloc (09022015). Collection method: clinical testing. Allele origin: germline.

Breakthrough Genomics
Classification: Uncertain significance. Review status: criteria provided, single submitter. Criteria: ACMG Guidelines, 2015. Collection method: not provided. Allele origin: germline. Inheritance: Autosomal dominant inheritance. Affected: yes.

NM_001374828.1(ARID1B):c.5623A>C (p.Ser1875Arg)

Gene: ARID1B (AT-rich interaction domain 1B; plus strand). Cytogenetic location: 6q25.3.
Variant type: single nucleotide variant.
Coding change: c.5623A>C on transcript NM_001374828.1 (MANE Select); coding-DNA position 5623, A replaced by C.
Protein change: p.Ser1875Arg; replaces serine 1875 with arginine.
Molecular consequence: missense variant.
Genome position (GRCh38, 1-based): chr6:157,206,395, A>C. VCF-style: chr6-157206395-A-C. GRCh37 (hg19) VCF-style: chr6-157527529-A-C.
Other names: c.5254A>C (NM_020732.3); c.3124A>C, p.Ser1042Arg (NM_001363725.2); c.5503A>C, p.Ser1835Arg (NM_001371656.1, NM_001374820.1); c.5464A>C, p.Ser1822Arg (NM_017519.3); short protein forms S1875R, S1835R, S1042R, S1822R.
Identifiers: ClinVar variation 1420840 (VCV001420840.13), dbSNP rs147690017, ClinGen allele CA4067871.